The following is an entry in ClinVar:

NM_001353921.2(ARHGEF9):c.1149T>G (p.Ile383Met)

Gene: ARHGEF9 (Cdc42 guanine nucleotide exchange factor 9; minus strand). Cytogenetic location: Xq11.1.
Variant type: single nucleotide variant.
Coding change: c.1149T>G on transcript NM_001353921.2 (MANE Select); coding-DNA position 1149, T replaced by G.
Protein change: p.Ile383Met; replaces isoleucine 383 with methionine.
Molecular consequence: missense variant. On other transcripts: intron variant (2).
Genome position (GRCh38, 1-based): chrX:63,655,666, A>C on the plus strand (T>G on the coding strand, the complement: ARHGEF9 is on the minus strand). VCF-style: chrX-63655666-A-C. GRCh37 (hg19) VCF-style: chrX-62875546-A-C.
Other names: c.969T>G, p.Ile323Met (NM_001173479.2); c.822T>G, p.Ile274Met (NM_001173480.2, NM_001369042.1); c.1065T>G, p.Ile355Met (NM_001330495.2, NM_001369033.1, NM_001369034.1 and 4 more transcripts); c.1017T>G, p.Ile339Met (NM_001353922.2); c.1167T>G, p.Ile389Met (NM_001353923.1); c.948T>G, p.Ile316Met (NM_001353924.2, NM_001353926.2, NM_001369039.1 and 1 more transcripts); c.933T>G, p.Ile311Met (NM_001353927.2, NM_001369041.1); c.996T>G, p.Ile332Met (NM_001353928.2); and 3 more; short protein forms I311M, I376M, I194M, I316M, I332M, I339M, I355M, I383M.
Identifiers: ClinVar variation 2718821 (VCV002718821.3), dbSNP rs2048828709, ClinGen allele CA413404677.

ClinVar aggregate classification (germline): Uncertain significance (1 of 4 stars; one submission).

Conditions:
Developmental and epileptic encephalopathy, 8 (DEE8). Also called: HYPEREKPLEXIA AND EPILEPSY. Identifiers: Orphanet 163985, Orphanet 2076, MedGen C1845102, MONDO:0010375, OMIM 300607.

Submission:

Labcorp Genetics (formerly Invitae), Labcorp
Classification: Uncertain significance for Developmental and epileptic encephalopathy, 8. Last evaluated: 2023-06-18. Review status: criteria provided, single submitter. Criteria: Invitae Variant Classification Sherloc (09022015). Collection method: clinical testing. Allele origin: germline.
Comment: In summary, the available evidence is currently insufficient to determine the role of this variant in disease. Therefore, it has been classified as a Variant of Uncertain Significance. This sequence change replaces isoleucine, which is neutral and non-polar, with methionine, which is neutral and non-polar, at codon 376 of the ARHGEF9 protein (p.Ile376Met). This variant is not present in population databases (gnomAD no frequency). This variant has not been reported in the literature in individuals affected with ARHGEF9-related conditions. Advanced modeling of protein sequence and biophysical properties (such as structural, functional, and spatial information, amino acid conservation, physicochemical variation, residue mobility, and thermodynamic stability) has been performed at Invitae for this missense variant, however the output from this modeling did not meet the statistical confidence thresholds required to predict the impact of this variant on ARHGEF9 protein function.